The following is an entry in ClinVar:

NM_006912.6(RIT1):c.561G>C (p.Lys187Asn)

Gene: RIT1 (Ras like without CAAX 1; minus strand). Cytogenetic location: 1q22.
Variant type: single nucleotide variant.
Coding change: c.561G>C on transcript NM_006912.6 (MANE Select); coding-DNA position 561, G replaced by C.
Protein change: p.Lys187Asn; replaces lysine 187 with asparagine.
Molecular consequence: missense variant.
Genome position (GRCh38, 1-based): chr1:155,900,487, C>G on the plus strand (G>C on the coding strand, the complement: RIT1 is on the minus strand). VCF-style: chr1-155900487-C-G. GRCh37 (hg19) VCF-style: chr1-155870278-C-G.
Other names: c.453G>C, p.Lys151Asn (NM_001256820.2); c.612G>C, p.Lys204Asn (NM_001256821.2); c.561G>C (NM_006912.4); short protein forms K151N, K187N, K204N.
Identifiers: ClinVar variation 2842577 (VCV002842577.4), dbSNP rs2527171330, ClinGen allele CA342801101.

ClinVar aggregate classification (germline): Uncertain significance. Review status: criteria provided, multiple submitters, no conflicts (2 of 4 stars). 2 submissions from 2 submitters: Uncertain significance (2). Last evaluated 2026-02-22.

Conditions:
Cardiovascular phenotype. Identifiers: MedGen CN230736.
Noonan syndrome 8 (NS8). Identifiers: Orphanet 648, MedGen C3809233, MONDO:0014143, OMIM 615355.

Submissions (2):

Ambry Genetics
Classification: Uncertain significance for Cardiovascular phenotype. Last evaluated: 2026-02-22. Review status: criteria provided, single submitter. Criteria: Ambry Variant Classification Scheme 2023. Collection method: clinical testing. Allele origin: germline.
Comment: The p.K187N variant (also known as c.561G>C), located in coding exon 5 of the RIT1 gene, results from a G to C substitution at nucleotide position 561. The lysine at codon 187 is replaced by asparagine, an amino acid with similar properties. This amino acid position is conserved. In addition, this alteration is predicted to be tolerated by in silico analysis. Based on the available evidence, the clinical significance of this variant remains unclear.

Labcorp Genetics (formerly Invitae), Labcorp
Classification: Uncertain significance for Noonan syndrome 8. Last evaluated: 2023-03-03. Review status: criteria provided, single submitter. Criteria: Invitae Variant Classification Sherloc (09022015). Collection method: clinical testing. Allele origin: germline.
Comment: This sequence change replaces lysine, which is basic and polar, with asparagine, which is neutral and polar, at codon 187 of the RIT1 protein (p.Lys187Asn). In summary, the available evidence is currently insufficient to determine the role of this variant in disease. Therefore, it has been classified as a Variant of Uncertain Significance. This variant is not present in population databases (gnomAD no frequency). This variant has not been reported in the literature in individuals affected with RIT1-related conditions. Advanced modeling of protein sequence and biophysical properties (such as structural, functional, and spatial information, amino acid conservation, physicochemical variation, residue mobility, and thermodynamic stability) performed at Invitae indicates that this missense variant is not expected to disrupt RIT1 protein function.